The following is an entry in ClinVar:

ClinVar aggregate classification (germline): Uncertain significance. Review status: criteria provided, multiple submitters, no conflicts (2 of 4 stars). 2 submissions from 2 submitters: Uncertain significance (2). Last evaluated 2024-04-01.

Conditions:
Inborn genetic diseases. Identifiers: MedGen C0950123, MeSH D030342.

Allele frequency attached by ClinVar (database versions not stated): gnomAD exomes below 0.00001; TOPMed 0.00001; ExAC 0.00001; gnomAD 0.00001.
gnomAD v4.1: 2 of 1,585,638 alleles (0.00013%); highest among the groups gnomAD compares: African/African-American, 0.0027%; no homozygotes.

Submissions (2):

Ambry Genetics
Classification: Uncertain significance for Inborn genetic diseases. Last evaluated: 2024-04-01. Review status: criteria provided, single submitter. Criteria: Ambry Variant Classification Scheme 2023. Collection method: clinical testing. Allele origin: germline.

GeneDx
Classification: Uncertain significance. Last evaluated: 2019-04-15. Review status: criteria provided, single submitter. Criteria: GeneDx Variant Classification Process June 2021. Collection method: clinical testing. Allele origin: germline. Affected: yes.
Comment: Not observed in large population cohorts (Lek et al., 2016); Has not been previously published as pathogenic or benign to our knowledge

NM_000414.4(HSD17B4):c.961A>G (p.Thr321Ala)

Gene: HSD17B4 (hydroxysteroid 17-beta dehydrogenase 4; plus strand). Cytogenetic location: 5q23.1.
Variant type: single nucleotide variant.
Coding change: c.961A>G on transcript NM_000414.4 (MANE Select); coding-DNA position 961, A replaced by G.
Protein change: p.Thr321Ala; replaces threonine 321 with alanine.
Molecular consequence: missense variant. On other transcripts: non-coding transcript variant (2).
Genome position (GRCh38, 1-based): chr5:119,496,635, A>G. VCF-style: chr5-119496635-A-G. GRCh37 (hg19) VCF-style: chr5-118832330-A-G.
Other names: c.1036A>G, p.Thr346Ala (NM_001199291.3); c.907A>G, p.Thr303Ala (NM_001199292.2); c.889A>G, p.Thr297Ala (NM_001292027.2); c.541A>G, p.Thr181Ala (NM_001292028.2); c.952A>G, p.Thr318Ala (NM_001374497.1); c.961A>G, p.Thr321Ala (NM_001374498.1); c.634A>G, p.Thr212Ala (NM_001374499.1); c.520A>G, p.Thr174Ala (NM_001374500.1); and 1 more; short protein forms T174A, T181A, T184A, T212A, T297A, T303A, T318A, T321A.
Identifiers: ClinVar variation 1302507 (VCV001302507.3), dbSNP rs773233283, ClinGen allele CA3382049.